The following is an entry in ClinVar:

ClinVar aggregate classification (germline): Uncertain significance (1 of 4 stars; one submission).

Conditions:
Cardiovascular phenotype. Identifiers: MedGen CN230736.
Hereditary cancer-predisposing syndrome. Also called: Hereditary Cancer Syndrome; Hereditary neoplastic syndrome; Neoplastic Syndromes, Hereditary; Tumor predisposition. Identifiers: Orphanet 140162, MedGen C0027672, MeSH D009386, MONDO:0015356.

Submission:

Ambry Genetics
Classification: Uncertain significance for Cardiovascular phenotype; Hereditary cancer-predisposing syndrome. Last evaluated: 2022-09-30. Review status: criteria provided, single submitter. Criteria: Ambry Variant Classification Scheme 2023. Collection method: clinical testing. Allele origin: germline.
Comment: The p.L493R variant (also known as c.1478T>G), located in coding exon 13 of the NF1 gene, results from a T to G substitution at nucleotide position 1478. The leucine at codon 493 is replaced by arginine, an amino acid with dissimilar properties. This amino acid position is conserved. In addition, the in silico prediction for this alteration is inconclusive. Since supporting evidence is limited at this time, the clinical significance of this alteration remains unclear.

NM_001042492.3(NF1):c.1478T>G (p.Leu493Arg)

Gene: NF1 (neurofibromin 1; plus strand). Cytogenetic location: 17q11.2.
Variant type: single nucleotide variant.
Coding change: c.1478T>G on transcript NM_001042492.3 (MANE Select); coding-DNA position 1478, T replaced by G.
Protein change: p.Leu493Arg; replaces leucine 493 with arginine.
Molecular consequence: missense variant.
Genome position (GRCh38, 1-based): chr17:31,214,536, T>G. VCF-style: chr17-31214536-T-G. GRCh37 (hg19) VCF-style: chr17-29541554-T-G.
Other names: c.1478T>G, p.Leu493Arg (NM_000267.4, NM_001128147.3); short protein forms L493R.
Identifiers: ClinVar variation 1773500 (VCV001773500.2), dbSNP rs2544829611, ClinGen allele CA399001602.